The following is an entry in ClinVar:

NM_001005373.4(LRSAM1):c.1864A>G (p.Ile622Val)

Gene: LRSAM1 (leucine rich repeat and sterile alpha motif containing 1; plus strand). Cytogenetic location: 9q33.3.
Variant type: single nucleotide variant.
Coding change: c.1864A>G on transcript NM_001005373.4 (MANE Select); coding-DNA position 1864, A replaced by G.
Protein change: p.Ile622Val; replaces isoleucine 622 with valine.
Molecular consequence: missense variant. On other transcripts: non-coding transcript variant (2).
Genome position (GRCh38, 1-based): chr9:127,497,286, A>G. VCF-style: chr9-127497286-A-G. GRCh37 (hg19) VCF-style: chr9-130259565-A-G.
Other names: c.1864A>G, p.Ile622Val (NM_001005374.4, NM_001384142.1, NM_138361.5); c.1783A>G, p.Ile595Val (NM_001190723.3); c.1765A>G, p.Ile589Val (NM_001384143.1); c.1075A>G, p.Ile359Val (NM_001384144.1); short protein forms I595V, I622V, I589V, I359V.
Identifiers: ClinVar variation 1368766 (VCV001368766.10), dbSNP rs1836186573, ClinGen allele CA374936508.

ClinVar aggregate classification (germline): Uncertain significance (1 of 4 stars; one submission).

Conditions:
Charcot-Marie-Tooth disease axonal type 2P. Also called: CHARCOT-MARIE-TOOTH NEUROPATHY, TYPE 2P; Charcot-Marie-Tooth Neuropathy Type 2G; CHARCOT-MARIE-TOOTH DISEASE, AXONAL, TYPE 2G; CMT 2G. Identifiers: Orphanet 300319, Orphanet 99941, MedGen C3280797, MONDO:0013753, OMIM 614436.

Allele frequency attached by ClinVar (database versions not stated): gnomAD exomes below 0.00001.
gnomAD v4.1: 3 of 1,613,106 alleles (0.00019%); highest among the groups gnomAD compares: African/African-American, 0.0013%; no homozygotes.

Submission:

Labcorp Genetics (formerly Invitae), Labcorp
Classification: Uncertain significance for Charcot-Marie-Tooth disease axonal type 2P. Last evaluated: 2022-11-15. Review status: criteria provided, single submitter. Criteria: Invitae Variant Classification Sherloc (09022015). Collection method: clinical testing. Allele origin: germline.
Comment: In summary, the available evidence is currently insufficient to determine the role of this variant in disease. Therefore, it has been classified as a Variant of Uncertain Significance. Advanced modeling of protein sequence and biophysical properties (such as structural, functional, and spatial information, amino acid conservation, physicochemical variation, residue mobility, and thermodynamic stability) performed at Invitae indicates that this missense variant is not expected to disrupt LRSAM1 protein function. ClinVar contains an entry for this variant (Variation ID: 1368766). This variant has not been reported in the literature in individuals affected with LRSAM1-related conditions. This variant is not present in population databases (gnomAD no frequency). This sequence change replaces isoleucine, which is neutral and non-polar, with valine, which is neutral and non-polar, at codon 622 of the LRSAM1 protein (p.Ile622Val).